The following is an entry in ClinVar:

NM_001375834.1(WIPF1):c.1028C>T (p.Ser343Leu)

Gene: WIPF1 (WAS/WASL interacting protein family member 1; minus strand). Cytogenetic location: 2q31.1.
Variant type: single nucleotide variant.
Coding change: c.1028C>T on transcript NM_001375834.1 (MANE Select); coding-DNA position 1028, C replaced by T.
Protein change: p.Ser343Leu; replaces serine 343 with leucine.
Molecular consequence: missense variant.
Genome position (GRCh38, 1-based): chr2:174,571,777, G>A on the plus strand (C>T on the coding strand, the complement: WIPF1 is on the minus strand). VCF-style: chr2-174571777-G-A. GRCh37 (hg19) VCF-style: chr2-175436505-G-A.
Other names: c.1028C>T, p.Ser343Leu (NM_001077269.1, NM_001375832.1, NM_001375833.1 and 5 more transcripts); c.650C>T, p.Ser217Leu (NM_001375839.1); short protein forms S217L, S343L.
Identifiers: ClinVar variation 4990238 (VCV004990238.1).

ClinVar aggregate classification (germline): Uncertain significance (1 of 4 stars; one submission).

Conditions:
WIPF1-related disorder. Also called: WIPF1-related condition.

gnomAD v4.1: 6 of 1,614,082 alleles (0.00037%); highest among the groups gnomAD compares: South Asian, 0.0022%; no homozygotes.

Submission:

PreventionGenetics, part of Exact Sciences
Classification: Uncertain significance for WIPF1-related condition. Last evaluated: 2026-07-01. Review status: criteria provided, single submitter. Criteria: ACMG Guidelines, 2015. Collection method: clinical testing. Allele origin: germline.
Comment: The WIPF1 c.1028C>T variant is predicted to result in the amino acid substitution p.Ser343Leu. To our knowledge, this variant has not been reported in the literature. This variant is reported in 0.0029% of alleles in individuals of Latino descent in gnomAD. At this time, the clinical significance of this variant is uncertain due to the absence of conclusive functional and genetic evidence.